The following is an entry in ClinVar:

NM_004360.5(CDH1):c.1337C>T (p.Ala446Val)

Gene: CDH1 (cadherin 1; plus strand). Cytogenetic location: 16q22.1.
Variant type: single nucleotide variant.
Coding change: c.1337C>T on transcript NM_004360.5 (MANE Select); coding-DNA position 1337, C replaced by T.
Protein change: p.Ala446Val; replaces alanine 446 with valine.
Molecular consequence: missense variant. On other transcripts: 5 prime UTR variant (2).
Genome position (GRCh38, 1-based): chr16:68,815,531, C>T. VCF-style: chr16-68815531-C-T. GRCh37 (hg19) VCF-style: chr16-68849434-C-T.
Other names: c.1154C>T, p.Ala385Val (NM_001317184.2); c.-212C>T (NM_001317185.2); c.-483C>T (NM_001317186.2); short protein forms A385V, A446V.
Identifiers: ClinVar variation 927715 (VCV000927715.17), dbSNP rs1960958031, ClinGen allele CA396462701.

ClinVar aggregate classification (germline): Conflicting classifications of pathogenicity. Review status: criteria provided, conflicting classifications (1 of 4 stars). 3 submissions from 3 submitters: Uncertain significance (2); Likely benign (1). Last evaluated 2026-05-11.

Conditions:
Hereditary cancer-predisposing syndrome. Also called: Hereditary Cancer Syndrome; Neoplastic Syndromes, Hereditary; Tumor predisposition; Hereditary neoplastic syndrome. Identifiers: Orphanet 140162, MedGen C0027672, MeSH D009386, MONDO:0015356.
Hereditary diffuse gastric adenocarcinoma (HDGC). Also called: DIFFUSE GASTRIC AND LOBULAR BREAST CANCER SYNDROME. Identifiers: Orphanet 26106, MedGen C1708349, MONDO:0007648, OMIM 137215.

Submissions (3):

Ambry Genetics
Classification: Likely benign for Hereditary cancer-predisposing syndrome. Last evaluated: 2026-05-11. Review status: criteria provided, single submitter. Criteria: Ambry Variant Classification Scheme 2023. Collection method: clinical testing. Allele origin: germline.

Color Diagnostics, LLC DBA Color Health
Classification: Uncertain significance for Hereditary cancer-predisposing syndrome. Last evaluated: 2024-03-06. Review status: criteria provided, single submitter. Criteria: ACMG Guidelines, 2015. Collection method: clinical testing. Allele origin: germline.
Comment: This missense variant replaces alanine with valine at codon 446 of the CDH1 protein. Computational prediction suggests that this variant may not impact protein structure and function (internally defined REVEL score threshold <= 0.5, PMID: 27666373). Splice site prediction tools suggest that this variant may not impact RNA splicing. To our knowledge, functional studies have not been performed for this variant. This variant has not been reported in individuals affected with hereditary cancer in the literature. This variant has not been identified in the general population by the Genome Aggregation Database (gnomAD). The available evidence is insufficient to determine the role of this variant in disease conclusively. Therefore, this variant is classified as a Variant of Uncertain Significance.

Labcorp Genetics (formerly Invitae), Labcorp
Classification: Uncertain significance for Hereditary diffuse gastric adenocarcinoma. Last evaluated: 2019-08-23. Review status: criteria provided, single submitter. Criteria: Invitae Variant Classification Sherloc (09022015). Collection method: clinical testing. Allele origin: germline.
Comment: Algorithms developed to predict the effect of sequence changes on RNA splicing suggest that this variant may create or strengthen a splice site, but this prediction has not been confirmed by published transcriptional studies. Algorithms developed to predict the effect of missense changes on protein structure and function (SIFT, PolyPhen-2, Align-GVGD) all suggest that this variant is likely to be tolerated, but these predictions have not been confirmed by published functional studies and their clinical significance is uncertain. This variant has not been reported in the literature in individuals with CDH1-related conditions. This variant is not present in population databases (ExAC no frequency). In summary, the available evidence is currently insufficient to determine the role of this variant in disease. Therefore, it has been classified as a Variant of Uncertain Significance. This sequence change replaces alanine with valine at codon 446 of the CDH1 protein (p.Ala446Val). The alanine residue is weakly conserved and there is a small physicochemical difference between alanine and valine.